The following is an entry in ClinVar:

NM_024334.3(TMEM43):c.778G>T (p.Val260Leu)

Gene: TMEM43 (transmembrane protein 43; plus strand). Cytogenetic location: 3p25.1.
Variant type: single nucleotide variant.
Coding change: c.778G>T on transcript NM_024334.3 (MANE Select); coding-DNA position 778, G replaced by T.
Protein change: p.Val260Leu; replaces valine 260 with leucine.
Molecular consequence: missense variant.
Genome position (GRCh38, 1-based): chr3:14,135,230, G>T. VCF-style: chr3-14135230-G-T. GRCh37 (hg19) VCF-style: chr3-14176730-G-T.
Other names: c.781G>T, p.Val261Leu (NM_001407274.1); c.778G>T, p.Val260Leu (NM_001407276.1); c.763G>T, p.Val255Leu (NM_001407278.1); c.628G>T, p.Val210Leu (NM_001407280.1); short protein forms V255L, V261L, V210L, V260L.
Identifiers: ClinVar variation 1985184 (VCV001985184.4), dbSNP rs758872772, ClinGen allele CA351535839.

ClinVar aggregate classification (germline): Uncertain significance (1 of 4 stars; one submission).

Conditions:
Arrhythmogenic right ventricular dysplasia 5. Also called: Arrhythmogenic Right Ventricular Dysplasia/Cardiomyopathy 5; ARRHYTHMOGENIC RIGHT VENTRICULAR DYSPLASIA, FAMILIAL, 5. Identifiers: MedGen C1858379, MONDO:0011459, OMIM 604400.

gnomAD v4.1: 2 of 1,611,706 alleles (0.00012%); highest among the groups gnomAD compares: Non-Finnish European, 0.00017%; no homozygotes.

Submission:

Labcorp Genetics (formerly Invitae), Labcorp
Classification: Uncertain significance for Arrhythmogenic right ventricular dysplasia 5. Last evaluated: 2021-12-27. Review status: criteria provided, single submitter. Criteria: Invitae Variant Classification Sherloc (09022015). Collection method: clinical testing. Allele origin: germline.
Comment: In summary, the available evidence is currently insufficient to determine the role of this variant in disease. Therefore, it has been classified as a Variant of Uncertain Significance. Algorithms developed to predict the effect of missense changes on protein structure and function (SIFT, PolyPhen-2, Align-GVGD) all suggest that this variant is likely to be tolerated. This variant has not been reported in the literature in individuals affected with TMEM43-related conditions. This variant is not present in population databases (gnomAD no frequency). This sequence change replaces valine, which is neutral and non-polar, with leucine, which is neutral and non-polar, at codon 260 of the TMEM43 protein (p.Val260Leu).